The following is an entry in ClinVar:

NM_000352.6(ABCC8):c.1880A>G (p.His627Arg)

Gene: ABCC8 (ATP binding cassette subfamily C member 8; minus strand). Cytogenetic location: 11p15.1.
Variant type: single nucleotide variant.
Coding change: c.1880A>G on transcript NM_000352.6 (MANE Select); coding-DNA position 1880, A replaced by G.
Protein change: p.His627Arg; replaces histidine 627 with arginine.
Molecular consequence: missense variant. On other transcripts: non-coding transcript variant (1).
Genome position (GRCh38, 1-based): chr11:17,428,608, T>C on the plus strand (A>G on the coding strand, the complement: ABCC8 is on the minus strand). VCF-style: chr11-17428608-T-C. GRCh37 (hg19) VCF-style: chr11-17450155-T-C.
Other names: c.1880A>G, p.His627Arg (NM_001287174.3, NM_001351295.2); c.1877A>G, p.His626Arg (NM_001351296.2, NM_001351297.2); short protein forms H627R, H626R.
Identifiers: ClinVar variation 2169552 (VCV002169552.2), dbSNP rs781409724, ClinGen allele CA5903405.

ClinVar aggregate classification (germline): Uncertain significance (1 of 4 stars; one submission).

Allele frequency attached by ClinVar (database versions not stated): gnomAD exomes 0.00001; ExAC 0.00002; gnomAD 0.00002; TOPMed 0.00002.
gnomAD v4.1: 21 of 1,613,880 alleles (0.0013%); highest among the groups gnomAD compares: Non-Finnish European, 0.0017%; no homozygotes.

Submission:

Labcorp Genetics (formerly Invitae), Labcorp
Classification: Uncertain significance. Last evaluated: 2024-10-16. Review status: criteria provided, single submitter. Criteria: Invitae Variant Classification Sherloc (09022015). Collection method: clinical testing. Allele origin: germline.
Comment: This sequence change replaces histidine, which is basic and polar, with arginine, which is basic and polar, at codon 627 of the ABCC8 protein (p.His627Arg). This variant is present in population databases (rs781409724, gnomAD 0.003%). This missense change has been observed in individual(s) with gestational diabetes (PMID: 30663027). ClinVar contains an entry for this variant (Variation ID: 2169552). Invitae Evidence Modeling of protein sequence and biophysical properties (such as structural, functional, and spatial information, amino acid conservation, physicochemical variation, residue mobility, and thermodynamic stability) indicates that this missense variant is not expected to disrupt ABCC8 protein function with a negative predictive value of 95%. In summary, the available evidence is currently insufficient to determine the role of this variant in disease. Therefore, it has been classified as a Variant of Uncertain Significance.

Literature cited by the submitters: PubMed 30663027.